The following is an entry in ClinVar:

ClinVar aggregate classification (germline): Likely benign. Review status: criteria provided, single submitter (1 of 4 stars). 2 submissions from 2 submitters: Likely benign (1). 1 of the submissions does not count toward it. Last evaluated 2024-07-27.

Conditions:
SLC12A3-related disorder. Also called: SLC12A3-related condition.

Allele frequency attached by ClinVar (database versions not stated): gnomAD exomes below 0.00001; ExAC 0.00001.
gnomAD v4.1: 3 of 1,614,178 alleles (0.00019%); highest among the groups gnomAD compares: Middle Eastern, 0.016%; no homozygotes.

Submissions (2):

Labcorp Genetics (formerly Invitae), Labcorp
Classification: Likely benign. Last evaluated: 2024-07-27. Review status: criteria provided, single submitter. Criteria: Invitae Variant Classification Sherloc (09022015). Collection method: clinical testing. Allele origin: germline.

PreventionGenetics, part of Exact Sciences
Classification: Likely benign for SLC12A3-related condition. Last evaluated: 2019-06-11. Review status: no assertion criteria provided. Collection method: clinical testing. Allele origin: germline. Not counted in ClinVar's aggregate classification.
Comment: This variant is classified as likely benign based on ACMG/AMP sequence variant interpretation guidelines (Richards et al. 2015 PMID: 25741868, with internal and published modifications).

NM_001126108.2(SLC12A3):c.2434C>T (p.Leu812=)

Gene: SLC12A3 (solute carrier family 12 member 3; plus strand). Cytogenetic location: 16q13.
Variant type: single nucleotide variant.
Coding change: c.2434C>T on transcript NM_001126108.2 (MANE Select); coding-DNA position 2434, C replaced by T.
Protein change: p.Leu812=; no amino-acid change (leucine 812 retained).
Molecular consequence: synonymous variant.
Genome position (GRCh38, 1-based): chr16:56,892,967, C>T. VCF-style: chr16-56892967-C-T. GRCh37 (hg19) VCF-style: chr16-56926879-C-T.
Other names: c.2461C>T (NM_000339.2); c.2461C>T, p.Leu821= (NM_000339.3); c.2458C>T, p.Leu820= (NM_001126107.2).
Identifiers: ClinVar variation 1097427 (VCV001097427.11), dbSNP rs201300295, ClinGen allele CA8069918.